The following is an entry in ClinVar:

NM_021020.5(LZTS1):c.1482C>T (p.Pro494=)

Gene: LZTS1 (leucine zipper tumor suppressor 1; minus strand). Cytogenetic location: 8p21.3.
Variant type: single nucleotide variant.
Coding change: c.1482C>T on transcript NM_021020.5 (MANE Select); coding-DNA position 1482, C replaced by T.
Protein change: p.Pro494=; no amino-acid change (proline 494 retained).
Molecular consequence: synonymous variant.
Genome position (GRCh38, 1-based): chr8:20,250,031, G>A on the plus strand (C>T on the coding strand, the complement: LZTS1 is on the minus strand). VCF-style: chr8-20250031-G-A. GRCh37 (hg19) VCF-style: chr8-20107542-G-A.
Other names: c.1482C>T (NM_021020.3); c.1482C>T, p.Pro494= (NM_001362884.2).
Identifiers: ClinVar variation 1578281 (VCV001578281.10), dbSNP rs147895092, ClinGen allele CA4657261.
Genomic context (GRCh38, chr8:20,250,031, plus strand): 5'-CTCCTCCCGCAGCTCGGCCCGCAGCCGCTCCAGCTCCCGCTGCAGGGCAGGGACGTCCTC[G>A]GGGAAGGTGGGCGGCCCCATGTCGCGGGCCAGGGCGGCCTGGGCCCGCAGCTCCTGCAGC-3'
Protein context (NP_066300.1, residues 484-504): LARDMGPPTF[Pro494=]EDVPALQREL

ClinVar aggregate classification (germline): Likely benign. Review status: criteria provided, single submitter (1 of 4 stars). 2 submissions from 2 submitters: Likely benign (1). 1 of the submissions does not count toward it. Last evaluated 2025-11-02.

Conditions:
LZTS1-related disorder. Also called: LZTS1-related condition.

Allele frequency attached by ClinVar (database versions not stated): ExAC 0.00004; gnomAD exomes 0.00004; ESP Exome Variant Server 0.00008.
gnomAD v4.1: 226 of 1,610,272 alleles (0.014%); highest among the groups gnomAD compares: Non-Finnish European, 0.017%; no homozygotes.

Submissions (2):

Labcorp Genetics (formerly Invitae), Labcorp
Classification: Likely benign. Last evaluated: 2025-11-02. Review status: criteria provided, single submitter. Criteria: Invitae Variant Classification Sherloc (09022015). Collection method: clinical testing. Allele origin: germline.

PreventionGenetics, part of Exact Sciences
Classification: Likely benign for LZTS1-related condition. Last evaluated: 2023-09-27. Review status: no assertion criteria provided. Collection method: clinical testing. Allele origin: germline. Not counted in ClinVar's aggregate classification.
Comment: This variant is classified as likely benign based on ACMG/AMP sequence variant interpretation guidelines (Richards et al. 2015 PMID: 25741868, with internal and published modifications).